The following is an entry in ClinVar:

ClinVar aggregate classification (germline): Likely pathogenic (1 of 4 stars; one submission).

Conditions:
Dilated cardiomyopathy 1G (CMD1G). Identifiers: Orphanet 154, MedGen C1858763, MONDO:0011400, OMIM 604145.
Autosomal recessive limb-girdle muscular dystrophy type 2J (LGMDR10). Also called: Limb-girdle muscular dystrophy, type 2J; MUSCULAR DYSTROPHY, LIMB-GIRDLE, AUTOSOMAL RECESSIVE 10. Identifiers: Orphanet 140922, MedGen C1837342, MONDO:0012127, OMIM 608807.

Submission:

Labcorp Genetics (formerly Invitae), Labcorp
Classification: Likely pathogenic for Dilated cardiomyopathy 1G; Autosomal recessive limb-girdle muscular dystrophy type 2J. Last evaluated: 2024-05-22. Review status: criteria provided, single submitter. Criteria: Invitae Variant Classification Sherloc (09022015). Collection method: clinical testing. Allele origin: germline.
Comment: This sequence change creates a premature translational stop signal (p.Val5087Glyfs*85) in the TTN gene. While this is not anticipated to result in nonsense mediated decay, it is expected to create a truncated TTN protein. This variant is not present in population databases (gnomAD no frequency). This variant has not been reported in the literature in individuals affected with TTN-related conditions. This variant is located in the I band of TTN (PMID: 25589632). Truncating variants in this region have been reported in individuals affected with autosomal recessive centronuclear myopathy (PMID: 23975875, Invitae internal data). Truncating variants in this region have also been identified in individuals affected with autosomal dominant dilated cardiomyopathy and/or cardio-related conditions (PMID: 27869827, 32964742, Invitae internal data). In summary, the currently available evidence indicates that the variant is pathogenic, but additional data are needed to prove that conclusively. Therefore, this variant has been classified as Likely Pathogenic.

Literature cited by the submitters: PubMed 25589632; PubMed 23975875; PubMed 27869827; PubMed 32964742.

NM_001267550.2(TTN):c.15260del (p.Val5087fs)

Gene: TTN (titin; minus strand). Cytogenetic location: 2q31.2.
Variant type: Deletion.
Coding change: c.15260del on transcript NM_001267550.2 (MANE Select); coding-DNA position 15260, one base deleted (T; older notation c.15260delT).
Protein change: p.Val5087fs; shifts the reading frame from valine 5087.
Molecular consequence: frameshift variant. On other transcripts: intron variant (3).
Genome position (GRCh38, 1-based): chr2:178,734,564, A deleted on the plus strand (T on the coding strand, the reverse complement: TTN is on the minus strand). VCF-style (leftmost placement, unchanged base first): chr2-178734563-CA-C. GRCh37 (hg19) VCF-style: chr2-179599290-CA-C.
Other names: c.14309del, p.Val4770fs (NM_001256850.1); c.11528del, p.Val3843fs (NM_133378.4); c.13282+3518del (NM_003319.4); c.13858+3518del (NM_133437.4); c.13657+3518del (NM_133432.3); short protein forms V3843fs, V4770fs, V5087fs.
Identifiers: ClinVar variation 3756486 (VCV003756486.2).
Genomic context (GRCh38, chr2:178,734,563, plus strand): 5'-GCTAATTTCAAATGGTCCAGTGCCTGAGACTTCACACTGAAGTAGAGCATTTGTTCCTCT[CA>C]CTATGTCTGCAGGCTCAAGAGTTTTGATGAAAGAAGGAGGTTCTACAAAAGCATGAAAGC-3'